The following is an entry in ClinVar:

ClinVar aggregate classification (germline): Uncertain significance (1 of 4 stars; one submission).

Conditions:
Autosomal dominant Parkinson disease 8. Also called: LRRK2-Related Parkinson Disease; Parkinson disease 8; Parkinson disease 8, susceptibility to. Identifiers: Orphanet 411602, MedGen C1846862, MONDO:0011764, OMIM 607060.

Allele frequency attached by ClinVar (database versions not stated): TOPMed below 0.00001.
gnomAD v4.1: 2 of 1,563,762 alleles (0.00013%); highest among the groups gnomAD compares: Non-Finnish European, 0.00018%; no homozygotes.

Submission:

Labcorp Genetics (formerly Invitae), Labcorp
Classification: Uncertain significance for Autosomal dominant Parkinson disease 8. Last evaluated: 2023-06-15. Review status: criteria provided, single submitter. Criteria: Invitae Variant Classification Sherloc (09022015). Collection method: clinical testing. Allele origin: germline.
Comment: Algorithms developed to predict the effect of sequence changes on RNA splicing suggest that this variant may create or strengthen a splice site. In summary, the available evidence is currently insufficient to determine the role of this variant in disease. Therefore, it has been classified as a Variant of Uncertain Significance. This sequence change falls in intron 14 of the LRRK2 gene. It does not directly change the encoded amino acid sequence of the LRRK2 protein. This variant is not present in population databases (gnomAD no frequency). This variant has not been reported in the literature in individuals affected with LRRK2-related conditions.

NM_198578.4(LRRK2):c.1656+12A>G

Gene: LRRK2 (leucine rich repeat kinase 2; plus strand). Cytogenetic location: 12q12.
Variant type: single nucleotide variant.
Coding change: c.1656+12A>G on transcript NM_198578.4 (MANE Select); 12 bases into the intron after coding-DNA position 1656, A replaced by G.
Molecular consequence: intron variant.
Genome position (GRCh38, 1-based): chr12:40,263,913, A>G. VCF-style: chr12-40263913-A-G. GRCh37 (hg19) VCF-style: chr12-40657715-A-G.
Identifiers: ClinVar variation 2744783 (VCV002744783.3), dbSNP rs201682413, ClinGen allele CA235319390.